The following is an entry in ClinVar:

NM_003919.3(SGCE):c.1062dup (p.Asp355fs)

Genes: CASD1 (CAS1 domain sialic acid O acetyltransferase 1; plus strand), SGCE (sarcoglycan epsilon; minus strand). Cytogenetic location: 7q21.3.
Variant type: Duplication.
Coding change: c.1062dup on transcript NM_003919.3 (MANE Select); coding-DNA position 1062, one base duplicated (A; older notation c.1062dupA).
Protein change: p.Asp355fs; shifts the reading frame from aspartic acid 355.
Molecular consequence: frameshift variant. On other transcripts: intron variant (6).
Genome position (GRCh38, 1-based): chr7:94,599,699, T duplicated on the plus strand (A on the coding strand, the reverse complement: SGCE is on the minus strand). VCF-style (leftmost placement, unchanged base first): chr7-94599698-C-CT. GRCh37 (hg19) VCF-style: chr7-94229010-C-CT.
Other names: c.1062dup, p.Asp355fs (NM_001099401.2); c.939dup, p.Asp314fs (NM_001301139.2); c.1170dup, p.Asp391fs (NM_001346713.2); c.975dup, p.Asp326fs (NM_001346719.2); c.789dup, p.Asp264fs (NM_001346720.2); c.915-736dup (NM_001362809.2); c.1038-736dup (NM_001346717.2, NM_001099400.2); c.1146-736dup (NM_001346715.2); and 2 more; short protein forms D264fs, D314fs, D326fs, D355fs, D391fs.
Identifiers: ClinVar variation 3382268 (VCV003382268.3).
Genomic context (GRCh38, chr7:94,599,698, plus strand): 5'-TGGGCAACTGAGAGGTGGGAAAAAATGATGAAGAAAATAACAGGAAAGAAGACACTTACT[C>CT]TGGTGTTTGCATGTTTCTCTTTTCCCTAGAAACAAAACAAAATTTATGAATTAAATAATA-3'

ClinVar aggregate classification (germline): Likely pathogenic (1 of 4 stars; one submission).

Conditions:
Myoclonic dystonia 11 (DYT11). Also called: DYT-SGCE; Myoclonic dystonia; Dystonia 11; Dystonia, alcohol responsive; Hereditary essential myoclonus; SGCE Myoclonus-Dystonia. Identifiers: Orphanet 36899, MedGen C1834570, MONDO:0008044, OMIM 159900.

Submission:

Juno Genomics, Hangzhou Juno Genomics, Inc
Classification: Likely pathogenic for Myoclonic dystonia 11. Review status: criteria provided, single submitter. Criteria: ACMG Guidelines, 2015. Collection method: clinical testing. Allele origin: germline.
Comment: Absent from controls (or at extremely low frequency if recessive) in Genome Aggregation Database.;Null variant in a gene where loss of function (LOF) is a known mechanism of disease.